The following is an entry in ClinVar:

ClinVar aggregate classification (germline): Pathogenic/Likely pathogenic. Review status: criteria provided, multiple submitters, no conflicts (2 of 4 stars). 7 submissions from 7 submitters: Pathogenic (5); Likely pathogenic (2). Last evaluated 2026-01-26.

Conditions:
Malignant migrating partial seizures of infancy. Identifiers: Orphanet 293181, MedGen CN262433, MONDO:0017385.
Developmental and epileptic encephalopathy, 14 (DEE14). Also called: Early infantile epileptic encephalopathy 14. Identifiers: Orphanet 293181, MedGen C3554195, MONDO:0013989, OMIM 614959.
Autosomal dominant nocturnal frontal lobe epilepsy 5. Also called: CILIARY DYSKINESIA, PRIMARY, 28, WITHOUT SITUS INVERSUS; KCNT1-Related Epilepsy; CILIARY DYSKINESIA, PRIMARY, 28, WITH SITUS INVERSUS; Epilepsy, nocturnal frontal lobe, 5. Identifiers: Orphanet 98784, MedGen C3554306, MONDO:0014002, OMIM 615005.

Submissions (7):

Medical and Scientific Branch, Hong Kong Genome Institute
Classification: Likely pathogenic for Developmental and epileptic encephalopathy, 14. Last evaluated: 2026-01-26. Review status: criteria provided, single submitter. Criteria: ACMG Guidelines, 2015. Collection method: clinical testing. Allele origin: de novo. Affected: yes.

3billion
Classification: Pathogenic for Developmental and epileptic encephalopathy, 14. Last evaluated: 2025-05-22. Review status: criteria provided, single submitter. Criteria: ACMG Guidelines, 2015. Collection method: clinical testing. Allele origin: germline. Affected: yes.
Comment: The variant is not observed in the gnomAD v4.1.0 dataset. Predicted Consequence/Location: Missense variant. Missense changes are a common disease-causing mechanism. Functional studies provide moderate evidence of the variant having a damaging effect on the gene or gene product (PMID: 26784557). The same nucleotide change resulting in the same amino acid change has been previously reported as pathogenic/likely pathogenic with strong evidence (ClinVar ID: VCV000280499 /PMID: 26784557). The variant has been previously reported as de novo in a similarly affected individual (PMID: 26784557). Therefore, this variant is classified as Pathogenic according to the recommendation of ACMG/AMP guideline.

Labcorp Genetics (formerly Invitae), Labcorp
Classification: Pathogenic for Autosomal dominant nocturnal frontal lobe epilepsy 5; Developmental and epileptic encephalopathy, 14. Last evaluated: 2024-01-19. Review status: criteria provided, single submitter. Criteria: Invitae Variant Classification Sherloc (09022015). Collection method: clinical testing. Allele origin: germline.
Comment: This sequence change replaces methionine, which is neutral and non-polar, with valine, which is neutral and non-polar, at codon 516 of the KCNT1 protein (p.Met516Val). This variant is not present in population databases (gnomAD no frequency). This missense change has been observed in individual(s) with KCNT1-related conditions (PMID: 26784557). In at least one individual the variant was observed to be de novo. ClinVar contains an entry for this variant (Variation ID: 280499). Advanced modeling of protein sequence and biophysical properties (such as structural, functional, and spatial information, amino acid conservation, physicochemical variation, residue mobility, and thermodynamic stability) performed at Invitae indicates that this missense variant is not expected to disrupt KCNT1 protein function with a negative predictive value of 80%. Experimental studies have shown that this missense change affects KCNT1 function (PMID: 26784557). For these reasons, this variant has been classified as Pathogenic.

GeneDx
Classification: Pathogenic. Last evaluated: 2021-04-09. Review status: criteria provided, single submitter. Criteria: GeneDx Variant Classification Process June 2021. Collection method: clinical testing. Allele origin: germline. Affected: yes.
Comment: Not observed in large population cohorts (Lek et al., 2016); In silico analysis supports that this missense variant does not alter protein structure/function; This variant is associated with the following publications: (PMID: 26784557, 27064559, 30182418, 31532509, 31872048)

Institute of Human Genetics, University of Leipzig Medical Center
Classification: Pathogenic for Developmental and epileptic encephalopathy, 14. Last evaluated: 2019-08-07. Review status: criteria provided, single submitter. Criteria: ACMG Guidelines, 2015. Collection method: clinical testing. Allele origin: de novo. Affected: yes. Observed: 1 variant allele.
Comment: This variant was identified as de novo (maternity and paternity confirmed).

Neurogenetics Laboratory - MEYER, AOU Meyer
Classification: Likely pathogenic. Last evaluated: 2016-11-16. Review status: criteria provided, single submitter. Criteria: ACMG Guidelines, 2015. Collection method: clinical testing. Allele origin: unknown. Affected: yes. Observed: 1 heterozygote.

Kasturba Medical College, Manipal, Kasturba Medical College, Manipal, Manipal Academy of Higher Education, Manipal, India
Classification: Pathogenic for Developmental and epileptic encephalopathy, 14. Review status: criteria provided, single submitter. Criteria: ACMG Guidelines, 2015. Collection method: clinical testing. Allele origin: de novo. Affected: yes. Observed: 1 variant allele.

Literature cited by the submitters: PubMed 26784557 (cited by 3billion and Labcorp Genetics (formerly Invitae), Labcorp).

NM_020822.3(KCNT1):c.1546A>G (p.Met516Val)

Gene: KCNT1 (potassium sodium-activated channel subfamily T member 1; plus strand). Cytogenetic location: 9q34.3.
Variant type: single nucleotide variant.
Coding change: c.1546A>G on transcript NM_020822.3 (MANE Select); coding-DNA position 1546, A replaced by G.
Protein change: p.Met516Val; replaces methionine 516 with valine.
Molecular consequence: missense variant.
Genome position (GRCh38, 1-based): chr9:135,769,982, A>G. VCF-style: chr9-135769982-A-G. GRCh37 (hg19) VCF-style: chr9-138661828-A-G.
Other names: c.1411A>G, p.Met471Val (NM_001272003.2); short protein forms M516V, M471V.
Identifiers: ClinVar variation 280499 (VCV000280499.12), dbSNP rs886041691, ClinGen allele CA10603124.
Genomic context (GRCh38, chr9:135,769,982, plus strand): 5'-GACCGGCCTCCCCCACTGCCCGCAGACCACGTGGTGTGTGAGGAGGAGTGCAAGTACGCC[A>G]TGCTGGCGCTGAACTGCATCTGCCCGGCGACCTCCACCCTCATCACCCTGCTGGTGCACA-3'
Protein context (NP_065873.2, residues 506-526): VVCEEECKYA[Met516Val]LALNCICPAT